The following is an entry in ClinVar:

ClinVar aggregate classification (germline): Uncertain significance (1 of 4 stars; one submission).

Conditions:
Ullrich congenital muscular dystrophy 2 (UCMD2). Identifiers: Orphanet 75840, MedGen C4225314, MONDO:0014654, OMIM 616470.
Bethlem myopathy 2 (BTHLM2). Identifiers: Orphanet 536516, Orphanet 610, MedGen C4225313, MONDO:0034022, OMIM 616471.

Allele frequency attached by ClinVar (database versions not stated): gnomAD exomes below 0.00001.
gnomAD v4.1: 1 of 1,613,072 alleles (0.000062%); highest among the groups gnomAD compares: Non-Finnish European, 0.000085%; no homozygotes.

Submission:

Labcorp Genetics (formerly Invitae), Labcorp
Classification: Uncertain significance for Bethlem myopathy 2; Ullrich congenital muscular dystrophy 2. Last evaluated: 2020-08-25. Review status: criteria provided, single submitter. Criteria: Invitae Variant Classification Sherloc (09022015). Collection method: clinical testing. Allele origin: germline.
Comment: This sequence change affects codon 994 of the COL12A1 mRNA. It is a 'silent' change, meaning that it does not change the encoded amino acid sequence of the COL12A1 protein. This variant is not present in population databases (ExAC no frequency). This variant has not been reported in the literature in individuals with COL12A1-related conditions. Algorithms developed to predict the effect of sequence changes on RNA splicing suggest that this variant may disrupt the consensus splice site, but this prediction has not been confirmed by published transcriptional studies. In summary, the available evidence is currently insufficient to determine the role of this variant in disease. Therefore, it has been classified as a Variant of Uncertain Significance.

NM_004370.6(COL12A1):c.2982A>G (p.Glu994=)

Gene: COL12A1 (collagen type XII alpha 1 chain; minus strand). Cytogenetic location: 6q13.
Variant type: single nucleotide variant.
Coding change: c.2982A>G on transcript NM_004370.6 (MANE Select); coding-DNA position 2982, A replaced by G.
Protein change: p.Glu994=; no amino-acid change (glutamic acid 994 retained).
Molecular consequence: synonymous variant. On other transcripts: intron variant (1).
Genome position (GRCh38, 1-based): chr6:75,165,508, T>C on the plus strand (A>G on the coding strand, the complement: COL12A1 is on the minus strand). VCF-style: chr6-75165508-T-C. GRCh37 (hg19) VCF-style: chr6-75875224-T-C.
Other names: c.74-13026A>G (NM_080645.3).
Identifiers: ClinVar variation 1011168 (VCV001011168.9), dbSNP rs1768247192, ClinGen allele CA450932424.
Genomic context (GRCh38, chr6:75,165,508, plus strand): 5'-AGCTGATAACTATTGGGTAGCACCGGCACACACCCAAACACACCCATAATGTTACCTACA[T>C]TCAGTTGTGGCATCTCCAGTCAAAGGTTCTCCTTCTCCACTGCTGTAAGTGGCAAATACT-3'
Protein context (NP_004361.3, residues 984-1004): GEPLTGDATT[Glu994=]LSQDSKTLKV